The following is an entry in ClinVar:

NM_001625.4(AK2):c.*2G>A

Gene: AK2 (adenylate kinase 2; minus strand). Cytogenetic location: 1p35.1.
Variant type: single nucleotide variant.
Coding change: c.*2G>A on transcript NM_001625.4 (MANE Select); 2 bases downstream of the stop codon, G replaced by A.
Molecular consequence: 3 prime UTR variant. On other transcripts: intron variant (5).
Genome position (GRCh38, 1-based): chr1:33,013,179, C>T on the plus strand (G>A on the coding strand, the complement: AK2 is on the minus strand). VCF-style: chr1-33013179-C-T. GRCh37 (hg19) VCF-style: chr1-33478780-C-T.
Other names: c.*2G>A (NM_001319140.2); c.*225G>A (NM_001319143.2); c.694+28G>A (NM_013411.5, NM_001319141.3); c.568+28G>A (NM_001319142.3); c.670+28G>A (NM_001199199.3); c.550+28G>A (NM_001319139.3).
Identifiers: ClinVar variation 3054113 (VCV003054113.2), dbSNP rs768207363, ClinGen allele CA747018.
Genomic context (GRCh38, chr1:33,013,179, plus strand): 5'-GTCCTATCATTCCCACCCATTGCCTCACAGGGATGGAAAGAAATTCCTTCTTGGACCCAA[C>T]ATTAGATAAACATAACCAAGTCTTTACATGTGGCTTTGGAGAAGGCTGCTAGGATGCTTG-3'

ClinVar aggregate classification (germline): Likely benign (0 of 4 stars; one submission).

Conditions:
AK2-related disorder. Also called: AK2-related condition.

Allele frequency attached by ClinVar (database versions not stated): ExAC 0.00001; gnomAD 0.00003; TOPMed 0.00004; gnomAD exomes 0.00005.
gnomAD v4.1: 72 of 1,614,078 alleles (0.0045%); highest among the groups gnomAD compares: Non-Finnish European, 0.0058%; no homozygotes.

Submission:

PreventionGenetics, part of Exact Sciences
Classification: Likely benign for AK2-related condition. Last evaluated: 2021-02-23. Review status: no assertion criteria provided. Collection method: clinical testing. Allele origin: germline.
Comment: This variant is classified as likely benign based on ACMG/AMP sequence variant interpretation guidelines (Richards et al. 2015 PMID: 25741868, with internal and published modifications).